The following is an entry in ClinVar:

NM_001365276.2(TNXB):c.6532G>A (p.Val2178Met)

Gene: TNXB (tenascin XB; minus strand). Cytogenetic location: 6p21.33.
Variant type: single nucleotide variant.
Coding change: c.6532G>A on transcript NM_001365276.2 (MANE Select); coding-DNA position 6532, G replaced by A.
Protein change: p.Val2178Met; replaces valine 2178 with methionine.
Molecular consequence: missense variant.
Genome position (GRCh38, 1-based): chr6:32,067,673, C>T on the plus strand (G>A on the coding strand, the complement: TNXB is on the minus strand). VCF-style: chr6-32067673-C-T. GRCh37 (hg19) VCF-style: chr6-32035450-C-T.
Other names: c.7273G>A, p.Val2425Met (NM_001428335.1); c.6532G>A, p.Val2178Met (NM_019105.8); short protein forms V2178M, V2425M.
Identifiers: ClinVar variation 4689390 (VCV004689390.1).

ClinVar aggregate classification (germline): Uncertain significance (1 of 4 stars; one submission).

gnomAD v4.1: 1 of 1,613,464 alleles (0.000062%); highest among the groups gnomAD compares: Admixed American, 0.0017%; no homozygotes.

Submission:

Women's Health and Genetics/Laboratory Corporation of America, LabCorp
Classification: Uncertain significance. Last evaluated: 2026-01-14. Review status: criteria provided, single submitter. Criteria: LabCorp Variant Classification Summary - May 2015. Collection method: clinical testing. Allele origin: germline.
Comment: Variant summary: TNXB c.6532G>A (p.Val2178Met) results in a conservative amino acid change in the encoded protein sequence. Algorithms developed to predict the effect of missense changes on protein structure and function all suggest that this variant is likely to be tolerated. The variant allele was found at a frequency of 4e-06 in 247072 control chromosomes. The available data on variant occurrences in the general population are insufficient to allow any conclusion about variant significance. To our knowledge, no occurrence of c.6532G>A in individuals affected with TNXB-related conditions and no experimental evidence demonstrating its impact on protein function have been reported. No submitters have cited clinical-significance assessments for this variant to ClinVar. Based on the evidence outlined above, the variant was classified as uncertain significance.